The following is an entry in ClinVar:

ClinVar aggregate classification (germline): Uncertain significance. Review status: criteria provided, multiple submitters, no conflicts (2 of 4 stars). 2 submissions from 2 submitters: Uncertain significance (2). Last evaluated 2023-12-05.

Conditions:
Neutral lipid storage myopathy (NLSDM). Also called: NEUTRAL LIPID STORAGE DISEASE WITHOUT ICHTHYOSIS. Identifiers: Orphanet 98908, MedGen C1853136, MONDO:0012545, OMIM 610717.

Allele frequency attached by ClinVar (database versions not stated): TOPMed below 0.00001; gnomAD 0.00001; gnomAD exomes 0.00001 and 0.00004; ExAC 0.00006; 1000 Genomes Project 30x 0.00016; 1000 Genomes Project 0.00020.
gnomAD v4.1: 22 of 1,554,860 alleles (0.0014%); highest among the groups gnomAD compares: South Asian, 0.024%; no homozygotes.

Submissions (2):

Revvity Omics, Revvity
Classification: Uncertain significance for Neutral lipid storage myopathy. Last evaluated: 2023-12-05. Review status: criteria provided, single submitter. Criteria: ACMG Guidelines, 2015. Collection method: clinical testing. Allele origin: germline.

Labcorp Genetics (formerly Invitae), Labcorp
Classification: Uncertain significance for Neutral lipid storage myopathy. Last evaluated: 2022-08-23. Review status: criteria provided, single submitter. Criteria: Invitae Variant Classification Sherloc (09022015). Collection method: clinical testing. Allele origin: germline.
Comment: This sequence change replaces lysine, which is basic and polar, with arginine, which is basic and polar, at codon 382 of the PNPLA2 protein (p.Lys382Arg). This variant is present in population databases (rs576535942, gnomAD 0.03%). This variant has not been reported in the literature in individuals affected with PNPLA2-related conditions. ClinVar contains an entry for this variant (Variation ID: 1448023). Algorithms developed to predict the effect of missense changes on protein structure and function (SIFT, PolyPhen-2, Align-GVGD) all suggest that this variant is likely to be tolerated. Algorithms developed to predict the effect of sequence changes on RNA splicing suggest that this variant may create or strengthen a splice site. In summary, the available evidence is currently insufficient to determine the role of this variant in disease. Therefore, it has been classified as a Variant of Uncertain Significance.

NM_020376.4(PNPLA2):c.1145A>G (p.Lys382Arg)

Gene: PNPLA2 (patatin like domain 2, triacylglycerol lipase; plus strand). Cytogenetic location: 11p15.5.
Variant type: single nucleotide variant.
Coding change: c.1145A>G on transcript NM_020376.4 (MANE Select); coding-DNA position 1145, A replaced by G.
Protein change: p.Lys382Arg; replaces lysine 382 with arginine.
Molecular consequence: missense variant.
Genome position (GRCh38, 1-based): chr11:824,406, A>G. VCF-style: chr11-824406-A-G. GRCh37 (hg19) VCF-style: chr11-824406-A-G.
Other names: c.1145A>G (NM_020376.3); short protein forms K382R.
Identifiers: ClinVar variation 1448023 (VCV001448023.7), dbSNP rs576535942, ClinGen allele CA5791314.
Genomic context (GRCh38, chr11:824,406, plus strand): 5'-ACATCCGGTGGATGAAGGAGCAGACGGGCAGCATCTGCCAGTACCTGGTGATGCGCGCCA[A>G]GAGGAAGCTGGGCAGGCACCTGCCCTCCAGGTGAGCCGCCGACCGCGCGTCCACCCGGGG-3'
Protein context (NP_065109.1, residues 372-392): SICQYLVMRA[Lys382Arg]RKLGRHLPSR